The following is an entry in ClinVar:

NM_024675.4(PALB2):c.1463G>C (p.Ser488Thr)

Gene: PALB2 (partner and localizer of BRCA2; minus strand). Cytogenetic location: 16p12.2.
Variant type: single nucleotide variant.
Coding change: c.1463G>C on transcript NM_024675.4 (MANE Select); coding-DNA position 1463, G replaced by C.
Protein change: p.Ser488Thr; replaces serine 488 with threonine.
Molecular consequence: missense variant.
Genome position (GRCh38, 1-based): chr16:23,635,083, C>G on the plus strand (G>C on the coding strand, the complement: PALB2 is on the minus strand). VCF-style: chr16-23635083-C-G. GRCh37 (hg19) VCF-style: chr16-23646404-C-G.
Other names: short protein forms S488T.
Identifiers: ClinVar variation 420536 (VCV000420536.16), dbSNP rs767926590, ClinGen allele CA16620145.
Genomic context (GRCh38, chr16:23,635,083, plus strand): 5'-GGTGCTTGGGCAACTGCCTTCCTAGACAAGTCATTATCTTCAGTGGGCCCAGCGGGAGAG[C>G]TGACTTTAGTTAATGAGAGAAGTTTCTGAGAGGTTCTTGAACTTGGTTGTCCTGTGCATG-3'
Protein context (NP_078951.2, residues 478-498): SQKLLSLTKV[Ser488Thr]SPAGPTEDND

ClinVar aggregate classification (germline): Conflicting classifications of pathogenicity. Review status: criteria provided, conflicting classifications (1 of 4 stars). 5 submissions from 5 submitters: Uncertain significance (4); Likely benign (1). Last evaluated 2026-01-20.

Conditions:
Breast-ovarian cancer, familial, susceptibility to, 5 (BROVCA5). Identifiers: MedGen C5830615, MONDO:0957530, OMIM 620442.
Hereditary cancer-predisposing syndrome. Also called: Hereditary neoplastic syndrome; Tumor predisposition; Neoplastic Syndromes, Hereditary; Hereditary Cancer Syndrome. Identifiers: Orphanet 140162, MedGen C0027672, MeSH D009386, MONDO:0015356.
Familial cancer of breast. Also called: Hereditary breast cancer; BREAST CANCER, FAMILIAL; hereditary breast carcinoma. Identifiers: Orphanet 227535, MedGen C0346153, MONDO:0016419, OMIM 114480. Disease mechanism: loss of function.

Submissions (5):

Labcorp Genetics (formerly Invitae), Labcorp
Classification: Uncertain significance for Familial cancer of breast. Last evaluated: 2026-01-20. Review status: criteria provided, single submitter. Criteria: Invitae Variant Classification Sherloc (09022015). Collection method: clinical testing. Allele origin: germline.
Comment: This sequence change replaces serine, which is neutral and polar, with threonine, which is neutral and polar, at codon 488 of the PALB2 protein (p.Ser488Thr). This variant is not present in population databases (gnomAD no frequency). This variant has not been reported in the literature in individuals affected with PALB2-related conditions. ClinVar contains an entry for this variant (Variation ID: 420536). Invitae Evidence Modeling of protein sequence and biophysical properties (such as structural, functional, and spatial information, amino acid conservation, physicochemical variation, residue mobility, and thermodynamic stability) indicates that this missense variant is not expected to disrupt PALB2 protein function with a negative predictive value of 80%. In summary, the available evidence is currently insufficient to determine the role of this variant in disease. Therefore, it has been classified as a Variant of Uncertain Significance.

Ambry Genetics
Classification: Likely benign for Hereditary cancer-predisposing syndrome. Last evaluated: 2024-12-23. Review status: criteria provided, single submitter. Criteria: Ambry Variant Classification Scheme 2023. Collection method: clinical testing. Allele origin: germline.

KCCC/NGS Laboratory, Kuwait Cancer Control Center
Classification: Uncertain significance for Breast-ovarian cancer, familial, susceptibility to, 5. Last evaluated: 2023-07-07. Review status: criteria provided, single submitter. Criteria: ACMG Guidelines, 2015. Collection method: clinical testing. Allele origin: unknown. Affected: yes.
Comment: The PALB2 c.1463G>T (p.Ser488Ile) variant causes a missense change involving the alteration of a non-conserved nucleotide. Both Polyphen and SIFT in silico tools predicted a benign outcome for this variant. The frequency of this variant in the general population is listed in the gnomAD as 0.00001414. There are 5 entries for this mutation in ClinVar all described it as a variant of uncertain significance. The current evidence for this variant puts it in the uncertain significance category.

Color Diagnostics, LLC DBA Color Health
Classification: Uncertain significance for Hereditary cancer-predisposing syndrome. Last evaluated: 2022-02-14. Review status: criteria provided, single submitter. Criteria: ACMG Guidelines, 2015. Collection method: clinical testing. Allele origin: germline.
Comment: This missense variant replaces serine with threonine at codon 488 of the PALB2 protein. Computational prediction suggests that this variant may not impact protein structure and function (internally defined REVEL score threshold <= 0.5, PMID: 27666373). To our knowledge, functional studies have not been reported for this variant. This variant has not been reported in individuals affected with hereditary cancer in the literature. This variant has not been identified in the general population by the Genome Aggregation Database (gnomAD). The available evidence is insufficient to determine the role of this variant in disease conclusively. Therefore, this variant is classified as a Variant of Uncertain Significance.

GeneDx
Classification: Uncertain significance. Last evaluated: 2017-12-11. Review status: criteria provided, single submitter. Criteria: GeneDx Variant Classification (06012015). Collection method: clinical testing. Allele origin: germline. Affected: yes.
Comment: This variant is denoted PALB2 c.1463G>C at the cDNA level, p.Ser488Thr (S488T) at the protein level, and results in the change of a Serine to a Threonine (AGC>ACC). This variant has not, to our knowledge, been published in the literature as pathogenic or benign. PALB2 Ser488Thr was not observed in large population cohorts (Lek 2016). Since Serine and Threonine share similar properties, this is considered a conservative amino acid substitution. PALB2 Ser488Thr is not located in known functional domain. In-silico analyses, including protein predictors and evolutionary conservation, support that this variant does not alter protein structure/function. Based on currently available evidence, it is unclear whether PALB2 Ser488Thr is a pathogenic or benign variant. We consider it to be a variant of uncertain significance.